The following is an entry in ClinVar:

ClinVar aggregate classification (germline): Uncertain significance (1 of 4 stars; one submission).

Conditions:
Myopathy, centronuclear, 2 (CNM2). Also called: MYOTUBULAR MYOPATHY, AUTOSOMAL RECESSIVE. Identifiers: Orphanet 169186, MedGen CN031787, MONDO:0009709, OMIM 255200.

gnomAD v4.1: 6 of 1,613,714 alleles (0.00037%); highest among the groups gnomAD compares: Admixed American, 0.0033%; no homozygotes.

Submission:

Labcorp Genetics (formerly Invitae), Labcorp
Classification: Uncertain significance for Myopathy, centronuclear, 2. Last evaluated: 2024-10-29. Review status: criteria provided, single submitter. Criteria: Invitae Variant Classification Sherloc (09022015). Collection method: clinical testing. Allele origin: germline.
Comment: This sequence change replaces arginine, which is basic and polar, with histidine, which is basic and polar, at codon 581 of the BIN1 protein (p.Arg581His). This variant is present in population databases (no rsID available, gnomAD 0.003%). This variant has not been reported in the literature in individuals affected with BIN1-related conditions. Invitae Evidence Modeling of protein sequence and biophysical properties (such as structural, functional, and spatial information, amino acid conservation, physicochemical variation, residue mobility, and thermodynamic stability) has been performed for this missense variant. However, the output from this modeling did not meet the statistical confidence thresholds required to predict the impact of this variant on BIN1 protein function. In summary, the available evidence is currently insufficient to determine the role of this variant in disease. Therefore, it has been classified as a Variant of Uncertain Significance.

NM_139343.3(BIN1):c.1742G>A (p.Arg581His)

Gene: BIN1 (bridging integrator 1; minus strand). Cytogenetic location: 2q14.3.
Variant type: single nucleotide variant.
Coding change: c.1742G>A on transcript NM_139343.3 (MANE Select); coding-DNA position 1742, G replaced by A.
Protein change: p.Arg581His; replaces arginine 581 with histidine.
Molecular consequence: missense variant.
Genome position (GRCh38, 1-based): chr2:127,048,566, C>T on the plus strand (G>A on the coding strand, the complement: BIN1 is on the minus strand). VCF-style: chr2-127048566-C-T. GRCh37 (hg19) VCF-style: chr2-127806142-C-T.
Other names: c.1235G>A, p.Arg412His (NM_001320632.2); c.1373G>A, p.Arg458His (NM_001320633.2); c.1118G>A, p.Arg373His (NM_001320634.1); c.1502G>A, p.Arg501His (NM_001320640.2); c.1649G>A, p.Arg550His (NM_001320641.2); c.1661G>A, p.Arg554His (NM_001320642.1); c.1325G>A, p.Arg442His (NM_004305.4); c.1613G>A, p.Arg538His (NM_139344.3); and 7 more; short protein forms R442H, R463H, R485H, R554H, R412H, R470H, R501H, R550H.
Identifiers: ClinVar variation 3677506 (VCV003677506.2).